The following is an entry in ClinVar:

NM_000785.4(CYP27B1):c.1452G>A (p.Ala484=)

Gene: CYP27B1 (cytochrome P450 family 27 subfamily B member 1; minus strand). Cytogenetic location: 12q14.1.
Variant type: single nucleotide variant.
Coding change: c.1452G>A on transcript NM_000785.4 (MANE Select); coding-DNA position 1452, G replaced by A.
Protein change: p.Ala484=; no amino-acid change (alanine 484 retained).
Molecular consequence: synonymous variant.
Genome position (GRCh38, 1-based): chr12:57,763,217, C>T on the plus strand (G>A on the coding strand, the complement: CYP27B1 is on the minus strand). VCF-style: chr12-57763217-C-T. GRCh37 (hg19) VCF-style: chr12-58157000-C-T.
Identifiers: ClinVar variation 738075 (VCV000738075.14), dbSNP rs8176349, ClinGen allele CA6658118.

ClinVar aggregate classification (germline): Benign/Likely benign. Review status: criteria provided, multiple submitters, no conflicts (2 of 4 stars). 4 submissions from 4 submitters: Benign (1); Likely benign (3). Last evaluated 2026-01-20.

Conditions:
Vitamin D-dependent rickets, type 1A. Also called: PDDR IA; PSEUDOVITAMIN D-DEFICIENCY RICKETS, TYPE IA; VITAMIN D HYDROXYLATION-DEFICIENT RICKETS, TYPE 1A. Identifiers: MedGen CN283242, MONDO:0020723, OMIM 264700.
CYP27B1-related disorder. Also called: CYP27B1-related condition.

Allele frequency attached by ClinVar (database versions not stated): gnomAD exomes 0.00009 and 0.00028; ExAC 0.00035; gnomAD 0.00095 and 0.00096; ESP Exome Variant Server 0.00100; TOPMed 0.00128; 1000 Genomes Project 0.00180; 1000 Genomes Project 30x 0.00250.
gnomAD v4.1: 289 of 1,614,080 alleles (0.018%); highest among the groups gnomAD compares: African/African-American, 0.27%; 2 homozygotes.

Submissions (4):

Labcorp Genetics (formerly Invitae), Labcorp
Classification: Benign. Last evaluated: 2026-01-20. Review status: criteria provided, single submitter. Criteria: Invitae Variant Classification Sherloc (09022015). Collection method: clinical testing. Allele origin: germline.

PreventionGenetics, part of Exact Sciences
Classification: Likely benign for CYP27B1-related condition. Last evaluated: 2025-11-30. Review status: criteria provided, single submitter. Criteria: ACMG Guidelines, 2015. Collection method: clinical testing. Allele origin: germline.
Comment: This variant is classified as likely benign based on ACMG/AMP sequence variant interpretation guidelines (Richards et al. 2015 PMID: 25741868, with internal and published modifications).

ARUP Laboratories, Molecular Genetics and Genomics, ARUP Laboratories
Classification: Likely benign for Vitamin D-dependent rickets, type 1A. Last evaluated: 2023-03-18. Review status: criteria provided, single submitter. Criteria: ARUP Molecular Germline Variant Investigation Process 2024. Collection method: clinical testing. Allele origin: germline.

Fulgent Genetics
Classification: Likely benign for Vitamin D-dependent rickets, type 1A. Last evaluated: 2021-08-09. Review status: criteria provided, single submitter. Criteria: ACMG Guidelines, 2015. Collection method: clinical testing. Allele origin: unknown.